The following is an entry in ClinVar:

NM_130837.3(OPA1):c.2885_2983+8del

Gene: OPA1 (OPA1 mitochondrial dynamin like GTPase; plus strand). Cytogenetic location: 3q29.
Variant type: Deletion.
Coding change: c.2885_2983+8del on transcript NM_130837.3 (MANE Select); coding-DNA position 2885 through 8 bases into the intron after coding-DNA position 2983, 107 bases deleted.
Molecular consequence: splice donor variant.
Genome position (GRCh38, 1-based): chr3:193,667,182-193,667,288, 107 bases deleted. GRCh37 (hg19): chr3:193,384,971-193,385,077.
Other names: c.2348_2446+8del (NM_001354664.2); c.2351_2449+8del (NM_001354663.2); c.2774_2872+8del (NM_130834.3); c.2831_2929+8del (NM_130836.3); c.2720_2818+8del (NM_015560.3); c.2777_2875+8del (NM_130835.3); c.2666_2764+8del (NM_130832.3); c.2723_2821+8del (NM_130833.3); and 1 more.
Identifiers: ClinVar variation 2003096 (VCV002003096.5), dbSNP rs2475204678, ClinGen allele CA2580070555.

ClinVar aggregate classification (germline): Pathogenic/Likely pathogenic. Review status: criteria provided, multiple submitters, no conflicts (2 of 4 stars). 2 submissions from 2 submitters: Pathogenic (1); Likely pathogenic (1). Last evaluated 2022-06-07.

Conditions:
Abortive cerebellar ataxia (BEHRS). Also called: OPTIC ATROPHY, INFANTILE HEREDITARY, WITH NEUROLOGIC ABNORMALITIES; Behr syndrome. Identifiers: Orphanet 1239, MedGen C0221061, MONDO:0008858, OMIM 210000.

Submissions (2):

Labcorp Genetics (formerly Invitae), Labcorp
Classification: Pathogenic. Last evaluated: 2022-06-07. Review status: criteria provided, single submitter. Criteria: Invitae Variant Classification Sherloc (09022015). Collection method: clinical testing. Allele origin: germline.
Comment: For these reasons, this variant has been classified as Pathogenic. This variant disrupts a region of the OPA1 protein in which other variant(s) (p.Val933Ile) have been determined to be pathogenic (PMID: 20417568, 25794858; Invitae). This suggests that this is a clinically significant region of the protein, and that variants that disrupt it are likely to be disease-causing. Variants that disrupt the consensus splice site are a relatively common cause of aberrant splicing (PMID: 17576681, 9536098). Algorithms developed to predict the effect of sequence changes on RNA splicing suggest that this variant may disrupt the consensus splice site. This variant has not been reported in the literature in individuals affected with OPA1-related conditions. This variant is not present in population databases (gnomAD no frequency). This variant results in the deletion of part of exon 27 (c.2720_2818+8del) of the OPA1 gene. While this variant is not anticipated to result in nonsense mediated decay, it likely alters RNA splicing and results in a disrupted protein product.

Laboratorio de Genetica e Diagnostico Molecular, Hospital Israelita Albert Einstein
Classification: Likely pathogenic for Abortive cerebellar ataxia. Last evaluated: 2022-03-26. Review status: criteria provided, single submitter. Criteria: ACMG Guidelines, 2015. Collection method: clinical testing. Allele origin: germline. Affected: yes. Observed: 1 variant allele.
Comment: ACMG classification criteria: PVS1 strong, PM2 moderated

Literature cited by the submitters: PubMed 20417568 (cited by Labcorp Genetics (formerly Invitae), Labcorp); PubMed 25794858 (cited by Labcorp Genetics (formerly Invitae), Labcorp); PubMed 17576681 (cited by Labcorp Genetics (formerly Invitae), Labcorp); PubMed 9536098 (cited by Labcorp Genetics (formerly Invitae), Labcorp).